The following is an entry in ClinVar:

NM_001122630.2(CDKN1C):c.569C>T (p.Ala190Val)

Gene: CDKN1C (cyclin dependent kinase inhibitor 1C; minus strand). Cytogenetic location: 11p15.4.
Variant type: single nucleotide variant.
Coding change: c.569C>T on transcript NM_001122630.2 (MANE Select); coding-DNA position 569, C replaced by T.
Protein change: p.Ala190Val; replaces alanine 190 with valine.
Molecular consequence: missense variant. On other transcripts: intron variant (1).
Genome position (GRCh38, 1-based): chr11:2,884,888, G>A on the plus strand (C>T on the coding strand, the complement: CDKN1C is on the minus strand). VCF-style: chr11-2884888-G-A. GRCh37 (hg19) VCF-style: chr11-2906118-G-A.
Other names: c.602C>T, p.Ala201Val (NM_000076.2, NM_001362474.2); c.569C>T, p.Ala190Val (NM_001122631.2); c.255+314C>T (NM_001362475.2); short protein forms A190V, A201V.
Identifiers: ClinVar variation 1519434 (VCV001519434.8), dbSNP rs1489659757, ClinGen allele CA379146345.

ClinVar aggregate classification (germline): Uncertain significance (1 of 4 stars; one submission).

Conditions:
Beckwith-Wiedemann syndrome (BWS). Also called: EMG SYNDROME; Exomphalos macroglossia gigantism syndrome. Identifiers: Orphanet 116, MedGen C0004903, MONDO:0007534, OMIM 130650.

Allele frequency attached by ClinVar (database versions not stated): gnomAD exomes 0.00001; gnomAD 0.00002.

Submission:

Labcorp Genetics (formerly Invitae), Labcorp
Classification: Uncertain significance for Beckwith-Wiedemann syndrome. Last evaluated: 2023-10-12. Review status: criteria provided, single submitter. Criteria: Invitae Variant Classification Sherloc (09022015). Collection method: clinical testing. Allele origin: germline.
Comment: This sequence change replaces alanine, which is neutral and non-polar, with valine, which is neutral and non-polar, at codon 201 of the CDKN1C protein (p.Ala201Val). The frequency data for this variant in the population databases is considered unreliable, as metrics indicate poor data quality at this position in the gnomAD database. This variant has not been reported in the literature in individuals affected with CDKN1C-related conditions. ClinVar contains an entry for this variant (Variation ID: 1519434). Advanced modeling of protein sequence and biophysical properties (such as structural, functional, and spatial information, amino acid conservation, physicochemical variation, residue mobility, and thermodynamic stability) performed at Invitae indicates that this missense variant is not expected to disrupt CDKN1C protein function. In summary, the available evidence is currently insufficient to determine the role of this variant in disease. Therefore, it has been classified as a Variant of Uncertain Significance.